The following is an entry in ClinVar:

ClinVar aggregate classification (germline): Likely benign (0 of 4 stars; one submission).

Conditions:
SEMA3E-related disorder. Also called: SEMA3E-related condition.

Allele frequency attached by ClinVar (database versions not stated): gnomAD exomes below 0.00001; TOPMed 0.00001.
gnomAD v4.1: 1 of 1,613,978 alleles (0.000062%); highest among the groups gnomAD compares: Non-Finnish European, 0.000085%; no homozygotes.

Submission:

PreventionGenetics, part of Exact Sciences
Classification: Likely benign for SEMA3E-related condition. Last evaluated: 2023-01-31. Review status: no assertion criteria provided. Collection method: clinical testing. Allele origin: germline.
Comment: This variant is classified as likely benign based on ACMG/AMP sequence variant interpretation guidelines (Richards et al. 2015 PMID: 25741868, with internal and published modifications).

NM_012431.3(SEMA3E):c.1332G>A (p.Glu444=)

Gene: SEMA3E (semaphorin 3E; minus strand). Cytogenetic location: 7q21.11.
Variant type: single nucleotide variant.
Coding change: c.1332G>A on transcript NM_012431.3 (MANE Select); coding-DNA position 1332, G replaced by A.
Protein change: p.Glu444=; no amino-acid change (glutamic acid 444 retained).
Molecular consequence: synonymous variant.
Genome position (GRCh38, 1-based): chr7:83,400,062, C>T on the plus strand (G>A on the coding strand, the complement: SEMA3E is on the minus strand). VCF-style: chr7-83400062-C-T. GRCh37 (hg19) VCF-style: chr7-83029378-C-T.
Other names: c.1152G>A, p.Glu384= (NM_001178129.2).
Identifiers: ClinVar variation 3053673 (VCV003053673.2), dbSNP rs1788207252, ClinGen allele CA456344474.